The following is an entry in ClinVar:

NM_001903.5(CTNNA1):c.1870dup (p.Asp624fs)

Gene: CTNNA1 (catenin alpha 1; plus strand). Cytogenetic location: 5q31.2.
Variant type: Duplication.
Coding change: c.1870dup on transcript NM_001903.5 (MANE Select); coding-DNA position 1870, one base duplicated (G; older notation c.1870dupG).
Protein change: p.Asp624fs; shifts the reading frame from aspartic acid 624.
Molecular consequence: frameshift variant.
Genome position (GRCh38, 1-based): chr5:138,925,378, G duplicated; the last of 3 consecutive G bases (chr5:138,925,376-138,925,378); duplicating any one gives the same sequence. VCF-style (leftmost placement, unchanged base first): chr5-138925375-C-CG. GRCh37 (hg19) VCF-style: chr5-138261064-C-CG.
Other names: c.1870dup, p.Asp624fs (NM_001290307.3, NM_001323982.2, NM_001323983.1 and 2 more transcripts); c.1561dup, p.Asp521fs (NM_001290309.3); c.1501dup, p.Asp501fs (NM_001290310.3); c.760dup, p.Asp254fs (NM_001290312.1, NM_001323987.1, NM_001323988.1 and 17 more transcripts); c.1777dup, p.Asp593fs (NM_001323986.2); c.421dup, p.Asp141fs (NM_001324006.1, NM_001324007.1, NM_001324008.1 and 2 more transcripts); c.667dup, p.Asp223fs (NM_001324011.1); c.517dup, p.Asp173fs (NM_001324012.1, NM_001324013.1); short protein forms D254fs, D501fs, D521fs, D593fs, D173fs, D624fs, D141fs, D223fs.
Identifiers: ClinVar variation 3498192 (VCV003498192.2).

ClinVar aggregate classification (germline): Pathogenic (1 of 4 stars; one submission).

Conditions:
Hereditary cancer-predisposing syndrome. Also called: Tumor predisposition; Neoplastic Syndromes, Hereditary; Hereditary Cancer Syndrome; Hereditary neoplastic syndrome. Identifiers: Orphanet 140162, MedGen C0027672, MeSH D009386, MONDO:0015356.

Submission:

Ambry Genetics
Classification: Pathogenic for Hereditary cancer-predisposing syndrome. Last evaluated: 2025-07-15. Review status: criteria provided, single submitter. Criteria: Ambry Variant Classification Scheme 2023. Collection method: clinical testing. Allele origin: germline.
Comment: The c.1870dupG pathogenic mutation, located in coding exon 12 of the CTNNA1 gene, results from a duplication of G at nucleotide position 1870, causing a translational frameshift with a predicted alternate stop codon (p.D624Gfs*13). This variant is considered to be rare based on population cohorts in the Genome Aggregation Database (gnomAD). This alteration is expected to result in loss of function by premature protein truncation or nonsense-mediated mRNA decay. As such, this alteration is interpreted as a disease-causing mutation.